The following is an entry in ClinVar:

NM_000059.4(BRCA2):c.8660C>G (p.Ser2887Ter)

Gene: BRCA2 (BRCA2 DNA repair associated; plus strand). Cytogenetic location: 13q13.1.
Variant type: single nucleotide variant.
Coding change: c.8660C>G on transcript NM_000059.4 (MANE Select); coding-DNA position 8660, C replaced by G.
Protein change: p.Ser2887Ter; replaces serine 2887 with a stop codon.
Molecular consequence: nonsense.
Genome position (GRCh38, 1-based): chr13:32,376,697, C>G. VCF-style: chr13-32376697-C-G. GRCh37 (hg19) VCF-style: chr13-32950834-C-G.
Other names: short protein forms S2887*.
Identifiers: ClinVar variation 920078 (VCV000920078.4), dbSNP rs2072874696, ClinGen allele CA387754718.

ClinVar aggregate classification (germline): Pathogenic. Review status: criteria provided, multiple submitters, no conflicts (2 of 4 stars). 2 submissions from 2 submitters: Pathogenic (2). Last evaluated 2026-03-05.

Conditions:
Breast-ovarian cancer, familial, susceptibility to, 2 (BROVCA2). Also called: BRCA2 Hereditary Breast and Ovarian Cancer. Identifiers: Orphanet 145, MedGen C2675520, MONDO:0012933, OMIM 612555. Disease mechanism: loss of function.
Hereditary cancer-predisposing syndrome. Also called: Hereditary neoplastic syndrome; Hereditary Cancer Syndrome; Neoplastic Syndromes, Hereditary; Tumor predisposition. Identifiers: Orphanet 140162, MedGen C0027672, MeSH D009386, MONDO:0015356.

gnomAD v4.1: 1 of 1,614,074 alleles (0.000062%); highest among the groups gnomAD compares: Non-Finnish European, 0.000085%; no homozygotes.

Submissions (2):

Myriad Genetics, Inc.
Classification: Pathogenic for Breast-ovarian cancer, familial, susceptibility to, 2. Last evaluated: 2026-03-05. Review status: criteria provided, single submitter. Criteria: Myriad Autosomal Dominant, Autosomal Recessive and X-Linked Classification Criteria (2023). Collection method: clinical testing. Allele origin: unknown.
Comment: This variant is considered pathogenic. This variant creates a termination codon and is predicted to result in premature protein truncation.

Color Diagnostics, LLC DBA Color Health
Classification: Pathogenic for Hereditary cancer-predisposing syndrome. Last evaluated: 2020-01-15. Review status: criteria provided, single submitter. Criteria: ACMG Guidelines, 2015. Collection method: clinical testing. Allele origin: germline.
Comment: This variant changes 1 nucleotide in exon 21 of the BRCA2 gene, creating a premature translation stop signal. This variant is expected to result in an absent or non-functional protein product. This variant has not been identified in the general population by the Genome Aggregation Database (gnomAD). Loss of BRCA2 function is a known mechanism of disease. Based on the available evidence, this variant is classified as Pathogenic.